The following is an entry in ClinVar:

NM_004329.3(BMPR1A):c.1065G>A (p.Lys355=)

Gene: BMPR1A (bone morphogenetic protein receptor type 1A; plus strand). Cytogenetic location: 10q23.2.
Variant type: single nucleotide variant.
Coding change: c.1065G>A on transcript NM_004329.3 (MANE Select); coding-DNA position 1065, G replaced by A.
Protein change: p.Lys355=; no amino-acid change (lysine 355 retained).
Molecular consequence: synonymous variant. On other transcripts: non-coding transcript variant (3).
Genome position (GRCh38, 1-based): chr10:86,919,368, G>A. VCF-style: chr10-86919368-G-A. GRCh37 (hg19) VCF-style: chr10-88679125-G-A.
Other names: c.723G>A, p.Lys241= (NM_001406589.1); c.1140G>A, p.Lys380= (NM_001406559.1); c.1113G>A, p.Lys371= (NM_001406560.1); c.1065G>A, p.Lys355= (NM_001406561.1, NM_001406562.1, NM_001406563.1 and 19 more transcripts); c.1059G>A, p.Lys353= (NM_001406583.1); c.981G>A, p.Lys327= (NM_001406584.1, NM_001406585.1, NM_001406586.1 and 2 more transcripts).
Identifiers: ClinVar variation 3379302 (VCV003379302.1).

ClinVar aggregate classification (germline): Benign (1 of 4 stars; one submission).

Conditions:
Juvenile polyposis syndrome (JPS). Identifiers: Orphanet 2929, MedGen C0345893, MONDO:0017380, OMIM 174900.

gnomAD v4.1: 1 of 1,613,036 alleles (0.000062%); no homozygotes.

Submission:

Myriad Genetics, Inc.
Classification: Benign for Juvenile polyposis syndrome. Last evaluated: 2024-08-06. Review status: criteria provided, single submitter. Criteria: Myriad Autosomal Dominant, Autosomal Recessive and X-Linked Classification Criteria (2023). Collection method: clinical testing. Allele origin: unknown.
Comment: This variant is considered benign. This variant is a silent/synonymous amino acid change and it is not expected to impact splicing.